The following is an entry in ClinVar:

ClinVar aggregate classification (germline): Uncertain significance (1 of 4 stars; one submission).

Conditions:
Glycogen storage disease IXb (GSD9B). Also called: GLYCOGENOSIS OF LIVER AND MUSCLE, AUTOSOMAL RECESSIVE; GSD IXb; PHOSPHORYLASE KINASE DEFICIENCY OF LIVER AND MUSCLE, AUTOSOMAL RECESSIVE. Identifiers: Orphanet 79240, MedGen C0543514, MONDO:0009868, OMIM 261750.

Allele frequency attached by ClinVar (database versions not stated): ExAC 0.00001; gnomAD exomes 0.00002; 1000 Genomes Project 30x 0.00016; 1000 Genomes Project 0.00020.

Submission:

Labcorp Genetics (formerly Invitae), Labcorp
Classification: Uncertain significance for Glycogen storage disease IXb. Last evaluated: 2022-08-12. Review status: criteria provided, single submitter. Criteria: Invitae Variant Classification Sherloc (09022015). Collection method: clinical testing. Allele origin: germline.
Comment: This sequence change replaces arginine, which is basic and polar, with histidine, which is basic and polar, at codon 332 of the PHKB protein (p.Arg332His). This variant is present in population databases (rs201074312, gnomAD 0.0009%). This variant has not been reported in the literature in individuals affected with PHKB-related conditions. Algorithms developed to predict the effect of missense changes on protein structure and function (SIFT, PolyPhen-2, Align-GVGD) all suggest that this variant is likely to be disruptive. In summary, the available evidence is currently insufficient to determine the role of this variant in disease. Therefore, it has been classified as a Variant of Uncertain Significance.

NM_000293.3(PHKB):c.995G>A (p.Arg332His)

Gene: PHKB (phosphorylase kinase regulatory subunit beta; plus strand). Cytogenetic location: 16q12.1.
Variant type: single nucleotide variant.
Coding change: c.995G>A on transcript NM_000293.3 (MANE Select); coding-DNA position 995, G replaced by A.
Protein change: p.Arg332His; replaces arginine 332 with histidine.
Molecular consequence: missense variant.
Genome position (GRCh38, 1-based): chr16:47,589,029, G>A. VCF-style: chr16-47589029-G-A. GRCh37 (hg19) VCF-style: chr16-47622940-G-A.
Other names: c.974G>A, p.Arg325His (NM_001031835.3); c.995G>A, p.Arg332His (NM_001363837.1); short protein forms R325H, R332H.
Identifiers: ClinVar variation 1943625 (VCV001943625.2), dbSNP rs201074312, ClinGen allele CA8040668.